The following is an entry in ClinVar:

ClinVar aggregate classification (germline): Uncertain significance (1 of 4 stars; one submission).

Conditions:
Malignant hyperthermia, susceptibility to, 1 (MHS1). Also called: Anesthesia related hyperthermia; Malignant hyperpyrexia; Fulminating hyperpyrexia; Pharmacogenic myopathy; Malignant hyperthermia suceptibility 1; RYR1-Related Malignant Hyperthermia Susceptibility. Identifiers: Orphanet 423, MedGen C2930980, MONDO:0007783, OMIM 145600.

Submission:

All of Us Research Program, National Institutes of Health
Classification: Uncertain significance for Malignant hyperthermia, susceptibility to, 1. Last evaluated: 2024-02-22. Review status: criteria provided, single submitter. Criteria: ACMG Guidelines, 2015. Collection method: clinical testing. Allele origin: germline. Inheritance: Autosomal dominant inheritance. Observed: 1 variant allele, 1 heterozygote.
Comment: This variant deletes 1 nucleotide in exon 48 of the RYR1 gene, creating a frameshift and premature translation stop signal. This variant is expected to result in an absent or non-functional protein product. To our knowledge, this variant has not been reported in individuals affected with RYR1-related disorders in the literature. This variant has not been identified in the general population by the Genome Aggregation Database (gnomAD). Loss of RYR1 function due to truncation variants is not an established disease mechanism for autosomal dominant malignant hyperthermia, although it is associated with other phenotype(s). Due to insufficient evidence, this variant is classified as a Variant of Uncertain Significance for autosomal dominant malignant hyperthermia.

This study involves interpretation of variants in research participants for the purpose of population health screening. Participant phenotype was not available at the time of variant classification. Additional details can be found in publication PMID: 35346344, PMCID: PMC8962531

NM_000540.3(RYR1):c.7823del (p.Met2608fs)

Gene: RYR1 (ryanodine receptor 1; plus strand). Cytogenetic location: 19q13.2.
Variant type: Deletion.
Coding change: c.7823del on transcript NM_000540.3 (MANE Select); coding-DNA position 7823, one base deleted (T; older notation c.7823delT).
Protein change: p.Met2608fs; shifts the reading frame from methionine 2608.
Molecular consequence: frameshift variant.
Genome position (GRCh38, 1-based): chr19:38,502,715, T deleted. VCF-style (leftmost placement, unchanged base first): chr19-38502714-AT-A. GRCh37 (hg19) VCF-style: chr19-38993354-AT-A.
Other names: c.7823del, p.Met2608fs (NM_001042723.2); short protein forms M2608fs.
Identifiers: ClinVar variation 3385454 (VCV003385454.1).